The following is an entry in ClinVar:

NM_058216.3(RAD51C):c.650_651del (p.Thr217fs)

Genes: RAD51C (RAD51 paralog C; plus strand), LOC129390903 (MPRA-validated peak2919 silencer; plus strand). Cytogenetic location: 17q22.
Variant type: Microsatellite.
Coding change: c.650_651del on transcript NM_058216.3 (MANE Select); coding-DNA positions 650 to 651, 2 bases deleted (CA; older notation c.650_651delCA).
Protein change: p.Thr217fs; shifts the reading frame from threonine 217.
Molecular consequence: frameshift variant. On other transcripts: non-coding transcript variant (1).
Genome position (GRCh38, 1-based): chr17:58,703,274-58,703,275, CA deleted; deleting any 2 consecutive bases within chr17:58,703,271-58,703,275 gives the same sequence; the c. name uses the placement nearest the transcript's 3' end. VCF-style (leftmost placement, unchanged base first): chr17-58703270-TAC-T. GRCh37 (hg19) VCF-style: chr17-56780631-TAC-T.
Other names: short protein forms T217fs.
Identifiers: ClinVar variation 852120 (VCV000852120.8), dbSNP rs2048272509, ClinGen allele CA916081891.
Genomic context (GRCh38, chr17:58,703,270, plus strand): 5'-TTGGAGGATTTCACTCTTGATAATATTCTTTCTCATATTTATTATTTTCGCTGTCGTGAC[TAC>T]ACAGAGTTACTGGCACAAGTTTATCTTCTTCCAGATTTCCTTTCAGAACACTCAAAGGTA-3'

ClinVar aggregate classification (germline): Pathogenic (1 of 4 stars; one submission).

Conditions:
Fanconi anemia complementation group O. Also called: RAD51C-Related Fanconi Anemia. Identifiers: Orphanet 84, MedGen C3150653, MONDO:0013248, OMIM 613390.

Submission:

Labcorp Genetics (formerly Invitae), Labcorp
Classification: Pathogenic for Fanconi anemia complementation group O. Last evaluated: 2025-11-17. Review status: criteria provided, single submitter. Criteria: Invitae Variant Classification Sherloc (09022015). Collection method: clinical testing. Allele origin: germline.
Comment: This sequence change creates a premature translational stop signal (p.Thr217Argfs*34) in the RAD51C gene. It is expected to result in an absent or disrupted protein product. Loss-of-function variants in RAD51C are known to be pathogenic (PMID: 20400964, 21990120, 24800917, 29278735). This variant is not present in population databases (gnomAD no frequency). This variant has not been reported in the literature in individuals affected with RAD51C-related conditions. ClinVar contains an entry for this variant (Variation ID: 852120). For these reasons, this variant has been classified as Pathogenic.

Literature cited by the submitters: PubMed 20400964; PubMed 21990120; PubMed 24800917; PubMed 29278735.